The following is an entry in ClinVar:

NM_020778.5(ALPK3):c.240G>T (p.Glu80Asp)

Gene: ALPK3 (alpha kinase 3; plus strand). Cytogenetic location: 15q25.3.
Variant type: single nucleotide variant.
Coding change: c.240G>T on transcript NM_020778.5 (MANE Select); coding-DNA position 240, G replaced by T.
Protein change: p.Glu80Asp; replaces glutamic acid 80 with aspartic acid.
Molecular consequence: missense variant.
Genome position (GRCh38, 1-based): chr15:84,827,541, G>T. VCF-style: chr15-84827541-G-T. GRCh37 (hg19) VCF-style: chr15-85370772-G-T.
Other names: short protein forms E80D.
Identifiers: ClinVar variation 1922609 (VCV001922609.5), dbSNP rs2505697230, ClinGen allele CA393370868.

ClinVar aggregate classification (germline): Uncertain significance (1 of 4 stars; one submission).

Submission:

Labcorp Genetics (formerly Invitae), Labcorp
Classification: Uncertain significance. Last evaluated: 2022-03-25. Review status: criteria provided, single submitter. Criteria: Invitae Variant Classification Sherloc (09022015). Collection method: clinical testing. Allele origin: germline.
Comment: In summary, the available evidence is currently insufficient to determine the role of this variant in disease. Therefore, it has been classified as a Variant of Uncertain Significance. Algorithms developed to predict the effect of missense changes on protein structure and function are either unavailable or do not agree on the potential impact of this missense change (SIFT: "Deleterious"; PolyPhen-2: "Probably Damaging"; Align-GVGD: "Class C0"). This variant has not been reported in the literature in individuals affected with ALPK3-related conditions. This variant is not present in population databases (gnomAD no frequency). This sequence change replaces glutamic acid, which is acidic and polar, with aspartic acid, which is acidic and polar, at codon 282 of the ALPK3 protein (p.Glu282Asp).